The following is an entry in ClinVar:

NM_005876.5(SPEG):c.7912G>T (p.Gly2638Trp)

Genes: ASIC4-AS1 (ASIC4 antisense RNA 1; minus strand), SPEG (striated muscle enriched protein kinase; plus strand). Cytogenetic location: 2q35.
Variant type: single nucleotide variant.
Coding change: c.7912G>T on transcript NM_005876.5 (MANE Select); coding-DNA position 7912, G replaced by T.
Protein change: p.Gly2638Trp; replaces glycine 2638 with tryptophan.
Molecular consequence: missense variant.
Genome position (GRCh38, 1-based): chr2:219,488,551, G>T. VCF-style: chr2-219488551-G-T. GRCh37 (hg19) VCF-style: chr2-220353273-G-T.
Other names: short protein forms G2638W.
Identifiers: ClinVar variation 3718658 (VCV003718658.2).

ClinVar aggregate classification (germline): Uncertain significance (1 of 4 stars; one submission).

gnomAD v4.1: 1 of 1,609,950 alleles (0.000062%); highest among the groups gnomAD compares: African/African-American, 0.0013%; no homozygotes.

Submission:

Labcorp Genetics (formerly Invitae), Labcorp
Classification: Uncertain significance. Last evaluated: 2024-06-08. Review status: criteria provided, single submitter. Criteria: Invitae Variant Classification Sherloc (09022015). Collection method: clinical testing. Allele origin: germline.
Comment: This sequence change replaces glycine, which is neutral and non-polar, with tryptophan, which is neutral and slightly polar, at codon 2638 of the SPEG protein (p.Gly2638Trp). The frequency data for this variant in the population databases is considered unreliable, as metrics indicate poor data quality at this position in the gnomAD database. This variant has not been reported in the literature in individuals affected with SPEG-related conditions. An algorithm developed to predict the effect of missense changes on protein structure and function (PolyPhen-2) suggests that this variant is likely to be disruptive. In summary, the available evidence is currently insufficient to determine the role of this variant in disease. Therefore, it has been classified as a Variant of Uncertain Significance.